The following is an entry in ClinVar:

NM_014915.3(ANKRD26):c.1161T>A (p.Asn387Lys)

Gene: ANKRD26 (ankyrin repeat domain containing 26; minus strand). Cytogenetic location: 10p12.1.
Variant type: single nucleotide variant.
Coding change: c.1161T>A on transcript NM_014915.3 (MANE Select); coding-DNA position 1161, T replaced by A.
Protein change: p.Asn387Lys; replaces asparagine 387 with lysine.
Molecular consequence: missense variant.
Genome position (GRCh38, 1-based): chr10:27,067,203, A>T on the plus strand (T>A on the coding strand, the complement: ANKRD26 is on the minus strand). VCF-style: chr10-27067203-A-T. GRCh37 (hg19) VCF-style: chr10-27356132-A-T.
Other names: c.1161T>A, p.Asn387Lys (NM_001256053.2); short protein forms N387K.
Identifiers: ClinVar variation 3869857 (VCV003869857.1).
Genomic context (GRCh38, chr10:27,067,203, plus strand): 5'-ATCCACTAACTTACCACTTCTATTATTTTTGTGCACTTCATCAACATAAGTCAAATTGTC[A>T]TTATTTGTTTGCTCTAGTGGAGCACTTTCAATAATATCAATACCATTTTCTTTTTTTGCA-3'
Protein context (NP_055730.2, residues 377-397): IESAPLEQTN[Asn387Lys]DNLTYVDEVH

ClinVar aggregate classification (germline): Uncertain significance (1 of 4 stars; one submission).

Conditions:
Inborn genetic diseases. Identifiers: MedGen C0950123, MeSH D030342.

gnomAD v4.1: 4 of 1,613,720 alleles (0.00025%); highest among the groups gnomAD compares: Non-Finnish European, 0.00034%; no homozygotes.

Submission:

Ambry Genetics
Classification: Uncertain significance for Inborn genetic diseases. Last evaluated: 2024-12-31. Review status: criteria provided, single submitter. Criteria: Ambry Variant Classification Scheme 2023. Collection method: clinical testing. Allele origin: germline.
Comment: The p.N387K variant (also known as c.1161T>A), located in coding exon 10 of the ANKRD26 gene, results from a T to A substitution at nucleotide position 1161. The asparagine at codon 387 is replaced by lysine, an amino acid with similar properties. This amino acid position is conserved. In addition, this alteration is predicted to be tolerated by in silico analysis. Based on the available evidence, the clinical significance of this variant remains unclear.